The following is an entry in ClinVar:

ClinVar aggregate classification (germline): Uncertain significance (1 of 4 stars; one submission).

Allele frequency attached by ClinVar (database versions not stated): gnomAD 0.00001; gnomAD exomes 0.00001.
gnomAD v4.1: 18 of 1,614,058 alleles (0.0011%); highest among the groups gnomAD compares: African/African-American, 0.0027%; no homozygotes.

Submission:

Labcorp Genetics (formerly Invitae), Labcorp
Classification: Uncertain significance. Last evaluated: 2023-01-11. Review status: criteria provided, single submitter. Criteria: Invitae Variant Classification Sherloc (09022015). Collection method: clinical testing. Allele origin: germline.
Comment: This sequence change replaces glycine, which is neutral and non-polar, with serine, which is neutral and polar, at codon 97 of the SFTPC protein (p.Gly97Ser). This variant is not present in population databases (gnomAD no frequency). This missense change has been observed in individual(s) with clinical features of childhood interstitial lung disease (PMID: 22308375, 24347240). Algorithms developed to predict the effect of missense changes on protein structure and function (SIFT, PolyPhen-2, Align-GVGD) all suggest that this variant is likely to be disruptive. In summary, the available evidence is currently insufficient to determine the role of this variant in disease. Therefore, it has been classified as a Variant of Uncertain Significance.

Literature cited by the submitters: PubMed 22308375; PubMed 24347240.

NM_001317778.2(SFTPC):c.289G>A (p.Gly97Ser)

Gene: SFTPC (surfactant protein C; plus strand). Cytogenetic location: 8p21.3.
Variant type: single nucleotide variant.
Coding change: c.289G>A on transcript NM_001317778.2 (MANE Select); coding-DNA position 289, G replaced by A.
Protein change: p.Gly97Ser; replaces glycine 97 with serine.
Molecular consequence: missense variant.
Genome position (GRCh38, 1-based): chr8:22,163,167, G>A. VCF-style: chr8-22163167-G-A. GRCh37 (hg19) VCF-style: chr8-22020680-G-A.
Other names: c.289G>A, p.Gly97Ser (NM_001172357.2, NM_001172410.2, NM_001317780.2 and 8 more transcripts); c.130G>A, p.Gly44Ser (NM_001317779.2, NM_001385660.1); short protein forms G97S, G44S.
Identifiers: ClinVar variation 2735134 (VCV002735134.3), dbSNP rs927644577, ClinGen allele CA173483364.